The following is an entry in ClinVar:

ClinVar aggregate classification (germline): Likely benign (0 of 4 stars; one submission).

Conditions:
KCNT2-related disorder. Also called: KCNT2-related condition. Identifiers: MedGen CN236796.

Allele frequency attached by ClinVar (database versions not stated): gnomAD 0.00001; gnomAD exomes 0.00001; TOPMed 0.00004; ExAC 0.00002.
gnomAD v4.1: 20 of 1,585,534 alleles (0.0013%); highest among the groups gnomAD compares: Admixed American, 0.034%; no homozygotes.

Submission:

PreventionGenetics, part of Exact Sciences
Classification: Likely benign for KCNT2-related condition. Last evaluated: 2019-02-18. Review status: no assertion criteria provided. Collection method: clinical testing. Allele origin: germline.
Comment: This variant is classified as likely benign based on ACMG/AMP sequence variant interpretation guidelines (Richards et al. 2015 PMID: 25741868, with internal and published modifications).

NM_198503.5(KCNT2):c.3407G>A (p.Ter1136=)

Gene: KCNT2 (potassium sodium-activated channel subfamily T member 2; minus strand). Cytogenetic location: 1q31.3.
Variant type: single nucleotide variant.
Coding change: c.3407G>A on transcript NM_198503.5 (MANE Select); coding-DNA position 3407, G replaced by A.
Protein change: p.Ter1136=.
Molecular consequence: synonymous variant. On other transcripts: non-coding transcript variant (2).
Genome position (GRCh38, 1-based): chr1:196,228,225, C>T on the plus strand (G>A on the coding strand, the complement: KCNT2 is on the minus strand). VCF-style: chr1-196228225-C-T. GRCh37 (hg19) VCF-style: chr1-196197355-C-T.
Other names: c.3335G>A, p.Ter1112= (NM_001287819.3); c.3206G>A, p.Ter1069= (NM_001287820.3).
Identifiers: ClinVar variation 3057315 (VCV003057315.2), dbSNP rs760199544, ClinGen allele CA1303918.